The following is an entry in ClinVar:

ClinVar aggregate classification (germline): Uncertain significance. Review status: criteria provided, multiple submitters, no conflicts (2 of 4 stars). 2 submissions from 2 submitters: Uncertain significance (2). Last evaluated 2025-05-20.

Conditions:
Charcot-Marie-Tooth disease type 4A. Also called: Charcot-Marie-Tooth disease, demyelinating, autosomal recessive, type 4a. Identifiers: Orphanet 99948, MedGen C1859198, MONDO:0008961, OMIM 214400.

Allele frequency attached by ClinVar (database versions not stated): gnomAD exomes below 0.00001; gnomAD 0.00001; TOPMed 0.00001.
gnomAD v4.1: 8 of 1,613,552 alleles (0.0005%); highest among the groups gnomAD compares: Non-Finnish European, 0.00068%; no homozygotes.

Submissions (2):

Mayo Clinic Laboratories, Mayo Clinic
Classification: Uncertain significance. Last evaluated: 2025-05-20. Review status: criteria provided, single submitter. Criteria: ACMG Guidelines, 2015. Collection method: clinical testing. Allele origin: germline. Observed: 1 variant allele.
Comment: PM2_supporting

Labcorp Genetics (formerly Invitae), Labcorp
Classification: Uncertain significance for Charcot-Marie-Tooth disease type 4A. Last evaluated: 2023-06-30. Review status: criteria provided, single submitter. Criteria: Invitae Variant Classification Sherloc (09022015). Collection method: clinical testing. Allele origin: germline.
Comment: This variant is present in population databases (no rsID available, gnomAD 0.0009%). This sequence change replaces lysine, which is basic and polar, with arginine, which is basic and polar, at codon 113 of the GDAP1 protein (p.Lys113Arg). This variant has not been reported in the literature in individuals affected with GDAP1-related conditions. In summary, the available evidence is currently insufficient to determine the role of this variant in disease. Therefore, it has been classified as a Variant of Uncertain Significance. An algorithm developed to predict the effect of missense changes on protein structure and function (PolyPhen-2) suggests that this variant is likely to be tolerated. ClinVar contains an entry for this variant (Variation ID: 467758).

NM_018972.4(GDAP1):c.338A>G (p.Lys113Arg)

Gene: GDAP1 (ganglioside induced differentiation associated protein 1; plus strand). Cytogenetic location: 8q21.11.
Variant type: single nucleotide variant.
Coding change: c.338A>G on transcript NM_018972.4 (MANE Select); coding-DNA position 338, A replaced by G.
Protein change: p.Lys113Arg; replaces lysine 113 with arginine.
Molecular consequence: missense variant. On other transcripts: intron variant (1).
Genome position (GRCh38, 1-based): chr8:74,360,164, A>G. VCF-style: chr8-74360164-A-G. GRCh37 (hg19) VCF-style: chr8-75272399-A-G.
Other names: p.Lys113Arg; c.134A>G, p.Lys45Arg (NM_001040875.4); c.11A>G, p.Lys4Arg (NM_001362929.2, NM_001362932.2); c.338A>G, p.Lys113Arg (NM_001362931.2); c.311-1720A>G (NM_001362930.2); short protein forms K113R, K45R, K4R.
Identifiers: ClinVar variation 467758 (VCV000467758.10), dbSNP rs1290008555, ClinGen allele CA371548374.